The following is an entry in ClinVar:

ClinVar aggregate classification (germline): Uncertain significance (1 of 4 stars; one submission).

Allele frequency attached by ClinVar (database versions not stated): ExAC 0.00003; gnomAD 0.00003; TOPMed 0.00003; gnomAD exomes 0.00008; 1000 Genomes Project 30x 0.00016; 1000 Genomes Project 0.00020.
gnomAD v4.1: 122 of 1,612,508 alleles (0.0076%); highest among the groups gnomAD compares: East Asian, 0.011%; no homozygotes.

Submission:

Labcorp Genetics (formerly Invitae), Labcorp
Classification: Uncertain significance. Last evaluated: 2022-02-10. Review status: criteria provided, single submitter. Criteria: Invitae Variant Classification Sherloc (09022015). Collection method: clinical testing. Allele origin: germline.
Comment: This variant has not been reported in the literature in individuals affected with NUP107-related conditions. Algorithms developed to predict the effect of missense changes on protein structure and function are either unavailable or do not agree on the potential impact of this missense change (SIFT: "Not Available"; PolyPhen-2: "Benign"; Align-GVGD: "Not Available"). In summary, the available evidence is currently insufficient to determine the role of this variant in disease. Therefore, it has been classified as a Variant of Uncertain Significance. This sequence change replaces arginine, which is basic and polar, with cysteine, which is neutral and slightly polar, at codon 558 of the NUP107 protein (p.Arg558Cys). This variant is present in population databases (rs542141920, gnomAD 0.02%).

NM_020401.4(NUP107):c.1672C>T (p.Arg558Cys)

Gene: NUP107 (nucleoporin 107; plus strand). Cytogenetic location: 12q15.
Variant type: single nucleotide variant.
Coding change: c.1672C>T on transcript NM_020401.4 (MANE Select); coding-DNA position 1672, C replaced by T.
Protein change: p.Arg558Cys; replaces arginine 558 with cysteine.
Molecular consequence: missense variant.
Genome position (GRCh38, 1-based): chr12:68,726,594, C>T. VCF-style: chr12-68726594-C-T. GRCh37 (hg19) VCF-style: chr12-69120374-C-T.
Other names: c.1585C>T, p.Arg529Cys (NM_001330192.2); short protein forms R558C, R529C.
Identifiers: ClinVar variation 2166248 (VCV002166248.4), dbSNP rs542141920, ClinGen allele CA6677886.